The following is an entry in ClinVar:

NM_182914.3(SYNE2):c.13707+6G>A

Gene: SYNE2 (spectrin repeat containing nuclear envelope protein 2; plus strand). Cytogenetic location: 14q23.2.
Variant type: single nucleotide variant.
Coding change: c.13707+6G>A on transcript NM_182914.3 (MANE Select); 6 bases into the intron after coding-DNA position 13707, G replaced by A.
Molecular consequence: intron variant.
Genome position (GRCh38, 1-based): chr14:64,126,485, G>A. VCF-style: chr14-64126485-G-A. GRCh37 (hg19) VCF-style: chr14-64593203-G-A.
Other names: c.13707+6G>A (NM_015180.6).
Identifiers: ClinVar variation 1052633 (VCV001052633.9), dbSNP rs776316108, ClinGen allele CA7222531.

ClinVar aggregate classification (germline): Uncertain significance (1 of 4 stars; one submission).

Conditions:
Emery-Dreifuss muscular dystrophy 5, autosomal dominant (EDMD5). Also called: EMERY-DREIFUSS MUSCULAR DYSTROPHY 5. Identifiers: Orphanet 261, MedGen C2751805, MONDO:0013072, OMIM 612999.

Allele frequency attached by ClinVar (database versions not stated): gnomAD 0.00001; gnomAD exomes 0.00001 and 0.00002; ExAC 0.00003.
gnomAD v4.1: 20 of 1,613,982 alleles (0.0012%); highest among the groups gnomAD compares: South Asian, 0.019%; no homozygotes.

Submission:

Labcorp Genetics (formerly Invitae), Labcorp
Classification: Uncertain significance for Emery-Dreifuss muscular dystrophy 5, autosomal dominant. Last evaluated: 2020-01-24. Review status: criteria provided, single submitter. Criteria: Invitae Variant Classification Sherloc (09022015). Collection method: clinical testing. Allele origin: germline.
Comment: In summary, the available evidence is currently insufficient to determine the role of this variant in disease. Therefore, it has been classified as a Variant of Uncertain Significance. Nucleotide substitutions within the consensus splice site are a relatively common cause of aberrant splicing (PMID: 17576681, 9536098). Algorithms developed to predict the effect of sequence changes on RNA splicing suggest that this variant is not likely to affect RNA splicing, but this prediction has not been confirmed by published transcriptional studies. This variant has not been reported in the literature in individuals with SYNE2-related disease. This variant is present in population databases (rs776316108, ExAC 0.02%). This sequence change falls in intron 72 of the SYNE2 gene. It does not directly change the encoded amino acid sequence of the SYNE2 protein, but it affects a nucleotide within the consensus splice site of the intron.

Literature cited by the submitters: PubMed 17576681; PubMed 9536098.